The following is an entry in ClinVar:

NM_001903.5(CTNNA1):c.2017_2018dup (p.Met673fs)

Gene: CTNNA1 (catenin alpha 1; plus strand). Cytogenetic location: 5q31.2.
Variant type: Duplication.
Coding change: c.2017_2018dup on transcript NM_001903.5 (MANE Select); coding-DNA positions 2017 to 2018, 2 bases duplicated (AT; older notation c.2017_2018dupAT).
Protein change: p.Met673fs; shifts the reading frame from methionine 673.
Molecular consequence: frameshift variant.
Genome position (GRCh38, 1-based): chr5:138,930,479-138,930,480, AT duplicated. VCF-style (leftmost placement, unchanged base first): chr5-138930478-C-CAT. GRCh37 (hg19) VCF-style: chr5-138266167-C-CAT.
Other names: c.2017_2018dup, p.Met673fs (NM_001290307.3, NM_001323982.2, NM_001323983.1 and 2 more transcripts); c.1708_1709dup, p.Met570fs (NM_001290309.3); c.1648_1649dup, p.Met550fs (NM_001290310.3); c.907_908dup, p.Met303fs (NM_001290312.1, NM_001323987.1, NM_001323988.1 and 17 more transcripts); c.1924_1925dup, p.Met642fs (NM_001323986.2); c.568_569dup, p.Met190fs (NM_001324006.1, NM_001324007.1, NM_001324008.1 and 2 more transcripts); c.814_815dup, p.Met272fs (NM_001324011.1); c.664_665dup, p.Met222fs (NM_001324012.1, NM_001324013.1); short protein forms M222fs, M303fs, M642fs, M673fs, M190fs, M550fs, M272fs, M570fs.
Identifiers: ClinVar variation 2563278 (VCV002563278.4), dbSNP rs2533847233, ClinGen allele CA2580613671.

ClinVar aggregate classification (germline): Pathogenic/Likely pathogenic. Review status: criteria provided, multiple submitters, no conflicts (2 of 4 stars). 2 submissions from 2 submitters: Pathogenic (1); Likely pathogenic (1). Last evaluated 2025-07-15.

Conditions:
Hereditary cancer-predisposing syndrome. Also called: Neoplastic Syndromes, Hereditary; Hereditary Cancer Syndrome; Tumor predisposition; Hereditary neoplastic syndrome. Identifiers: Orphanet 140162, MedGen C0027672, MeSH D009386, MONDO:0015356.
Hereditary diffuse gastric adenocarcinoma (HDGC). Also called: DIFFUSE GASTRIC AND LOBULAR BREAST CANCER SYNDROME. Identifiers: Orphanet 26106, MedGen C1708349, MONDO:0007648, OMIM 137215.

Submissions (2):

Ambry Genetics
Classification: Pathogenic for Hereditary cancer-predisposing syndrome. Last evaluated: 2025-07-15. Review status: criteria provided, single submitter. Criteria: Ambry Variant Classification Scheme 2023. Collection method: clinical testing. Allele origin: germline.
Comment: The c.2017_2018dupAT pathogenic mutation, located in coding exon 14 of the CTNNA1 gene, results from a duplication of AT at nucleotide position 2017, causing a translational frameshift with a predicted alternate stop codon (p.M673Ifs*50). This variant is considered to be rare based on population cohorts in the Genome Aggregation Database (gnomAD). This alteration is expected to result in loss of function by premature protein truncation or nonsense-mediated mRNA decay. As such, this alteration is interpreted as a disease-causing mutation.

Myriad Genetics, Inc.
Classification: Likely pathogenic for Hereditary diffuse gastric adenocarcinoma. Last evaluated: 2023-11-27. Review status: criteria provided, single submitter. Criteria: Myriad Autosomal Dominant, Autosomal Recessive and X-Linked Classification Criteria (2023). Collection method: clinical testing. Allele origin: unknown.
Comment: This variant is considered likely pathogenic. This variant creates a frameshift predicted to result in premature protein truncation.